The following is an entry in ClinVar:

NC_000003.11:g.(43474220_43591211)_(43602895_43607144)del

Gene: ANO10 (anoctamin 10; minus strand). Cytogenetic location: 3p22.1.
Variant type: Deletion.
Identifiers: ClinVar variation 3251863 (VCV003251863.1).

ClinVar aggregate classification (germline): Likely pathogenic (1 of 4 stars; one submission).

Conditions:
Autosomal recessive spinocerebellar ataxia 10. Identifiers: Orphanet 284289, MedGen C3150998, MONDO:0013392, OMIM 613728.

Submission:

Women's Health and Genetics/Laboratory Corporation of America, LabCorp
Classification: Likely pathogenic for Autosomal recessive spinocerebellar ataxia 10. Last evaluated: 2024-04-18. Review status: criteria provided, single submitter. Criteria: LabCorp Variant Classification Summary - May 2015. Collection method: clinical testing. Allele origin: germline.
Comment: Variant summary: The variant involves the deletion of exons 9-11 in the ANO10 gene. A presumed nomenclature of c.(1293+1_1294-1)_(1797+1_1798-1)del has been designated for the purposes of this classification. This Copy Number Variant (CNV) is predicted to result in an in-frame deletion within this gene, removing 168 amino acids (amino acids 432-599), affecting the transmembrane domain (amino acids 200-626; IPR049452) of the encoded protein sequence. The variant allele was found at a frequency of 6.8e-06 in 441903 control chromosomes in the gnomAD database (CNVs v4.0 dataset). The deletion of exons 9-11 in the ANO10 gene has been reported in the literature in an individual affected with Spinocerebellar ataxia 10 (Benkirane_2021). In addition, in the deleted protein region several missense changes are reported (e.g. G506R, L510R, C513R, W555S) in individuals affected with Spinocerebellar ataxia (HGMD). To our knowledge, no experimental evidence demonstrating an impact on protein function has been reported. No submitters have cited clinical-significance assessments for this variant to ClinVar. Based on the evidence outlined above, the variant was classified as likely pathogenic.

Literature cited by the submitters: PubMed 34234304.